The following is an entry in ClinVar:

ClinVar aggregate classification (germline): Uncertain significance. Review status: criteria provided, multiple submitters, no conflicts (2 of 4 stars). 4 submissions from 4 submitters: Uncertain significance (4). Last evaluated 2025-03-23.

Conditions:
Hereditary nonpolyposis colorectal neoplasms. Identifiers: MedGen C0009405, MeSH D003123.
Hereditary cancer-predisposing syndrome. Also called: Neoplastic Syndromes, Hereditary; Tumor predisposition; Hereditary neoplastic syndrome; Hereditary Cancer Syndrome. Identifiers: Orphanet 140162, MedGen C0027672, MeSH D009386, MONDO:0015356.
Lynch syndrome 4 (LYNCH4). Also called: Colorectal cancer, hereditary nonpolyposis, type 4; Hereditary non-polyposis colorectal cancer, type 4. Identifiers: Orphanet 144, MedGen C1838333, MONDO:0013699, OMIM 614337. Disease mechanism: loss of function.

Allele frequency attached by ClinVar (database versions not stated): gnomAD exomes below 0.00001; ExAC 0.00001.
gnomAD v4.1: 4 of 1,604,756 alleles (0.00025%); highest among the groups gnomAD compares: South Asian, 0.0011%; no homozygotes.

Submissions (4):

Labcorp Genetics (formerly Invitae), Labcorp
Classification: Uncertain significance for Hereditary nonpolyposis colorectal neoplasms. Last evaluated: 2025-03-23. Review status: criteria provided, single submitter. Criteria: Invitae Variant Classification Sherloc (09022015). Collection method: clinical testing. Allele origin: germline.
Comment: This sequence change replaces serine, which is neutral and polar, with cysteine, which is neutral and slightly polar, at codon 90 of the PMS2 protein (p.Ser90Cys). This variant is present in population databases (rs770678468, gnomAD 0.003%). This variant has not been reported in the literature in individuals affected with PMS2-related conditions. ClinVar contains an entry for this variant (Variation ID: 630212). Invitae Evidence Modeling of protein sequence and biophysical properties (such as structural, functional, and spatial information, amino acid conservation, physicochemical variation, residue mobility, and thermodynamic stability) indicates that this missense variant is expected to disrupt PMS2 protein function with a positive predictive value of 80%. Studies have shown that this missense change is associated with inconclusive levels of altered splicing (internal data). In summary, the available evidence is currently insufficient to determine the role of this variant in disease. Therefore, it has been classified as a Variant of Uncertain Significance.

Ambry Genetics
Classification: Uncertain significance for Hereditary cancer-predisposing syndrome. Last evaluated: 2024-06-26. Review status: criteria provided, single submitter. Criteria: Ambry Variant Classification Scheme 2023. Collection method: clinical testing. Allele origin: germline.
Comment: The p.S90C variant (also known as c.269C>G), located in coding exon 4 of the PMS2 gene, results from a C to G substitution at nucleotide position 269. The serine at codon 90 is replaced by cysteine, an amino acid with dissimilar properties. This amino acid position is highly conserved in available vertebrate species. In addition, this alteration is predicted to be deleterious by in silico analysis. Based on the available evidence, the clinical significance of this variant remains unclear.

Baylor Genetics
Classification: Uncertain significance for Lynch syndrome 4. Last evaluated: 2023-05-08. Review status: criteria provided, single submitter. Criteria: ACMG Guidelines, 2015. Collection method: clinical testing. Allele origin: unknown.

Color Diagnostics, LLC DBA Color Health
Classification: Uncertain significance for Hereditary cancer-predisposing syndrome. Last evaluated: 2018-12-13. Review status: criteria provided, single submitter. Criteria: ACMG Guidelines, 2015. Collection method: clinical testing. Allele origin: germline.

NM_000535.7(PMS2):c.269C>G (p.Ser90Cys)

Gene: PMS2 (PMS1 homolog 2, mismatch repair system component; minus strand). Cytogenetic location: 7p22.1.
Variant type: single nucleotide variant.
Coding change: c.269C>G on transcript NM_000535.7 (MANE Select); coding-DNA position 269, C replaced by G.
Protein change: p.Ser90Cys; replaces serine 90 with cysteine.
Molecular consequence: missense variant. On other transcripts: 5 prime UTR variant (9), non-coding transcript variant (1), intron variant (2).
Genome position (GRCh38, 1-based): chr7:6,003,774, G>C on the plus strand (C>G on the coding strand, the complement: PMS2 is on the minus strand). VCF-style: chr7-6003774-G-C. GRCh37 (hg19) VCF-style: chr7-6043405-G-C.
Other names: c.-137C>G (NM_001322003.2, NM_001322004.2, NM_001322005.2 and 3 more transcripts); c.269C>G, p.Ser90Cys (NM_001322006.2, NM_001322014.2); c.-616C>G (NM_001322011.2, NM_001322012.2); c.-216C>G (NM_001322015.2); c.35+198C>G (NM_001322008.2, NM_001322007.2); short protein forms S90C.
Identifiers: ClinVar variation 630212 (VCV000630212.8), dbSNP rs770678468, ClinGen allele CA048968.